The following is an entry in ClinVar:

ClinVar aggregate classification (germline): Uncertain significance (1 of 4 stars; one submission).

Conditions:
Hyperkalemic periodic paralysis. Also called: Familial hyperkalemic periodic paralysis; Gamstorp disease. Identifiers: Orphanet 682, MedGen C0238357, MONDO:0008224, OMIM 170500, HP:0007215.

Submission:

Labcorp Genetics (formerly Invitae), Labcorp
Classification: Uncertain significance for Hyperkalemic periodic paralysis. Last evaluated: 2022-12-03. Review status: criteria provided, single submitter. Criteria: Invitae Variant Classification Sherloc (09022015). Collection method: clinical testing. Allele origin: germline.
Comment: In summary, the available evidence is currently insufficient to determine the role of this variant in disease. Therefore, it has been classified as a Variant of Uncertain Significance. Experimental studies and prediction algorithms are not available or were not evaluated, and the functional significance of this variant is currently unknown. This variant has not been reported in the literature in individuals affected with SCN4A-related conditions. This variant is not present in population databases (gnomAD no frequency). This variant, c.1279_1281del, results in the deletion of 1 amino acid(s) of the SCN4A protein (p.Phe427del), but otherwise preserves the integrity of the reading frame.

NM_000334.4(SCN4A):c.1276TTC[1] (p.Phe427del)

Gene: SCN4A (sodium voltage-gated channel alpha subunit 4; minus strand). Cytogenetic location: 17q23.3.
Variant type: Microsatellite.
Coding change: c.1276TTC[1] on transcript NM_000334.4 (MANE Select); one copy of the 3-base unit TTC starting at c.1276; the reference has two copies in a row; one copy, 3 bases deleted.
Protein change: p.Phe427del; deletes phenylalanine 427.
Molecular consequence: inframe deletion.
Genome position (GRCh38, 1-based): chr17:63,964,639-63,964,641, GAA deleted on the plus strand (TTC on the coding strand, the reverse complement: SCN4A is on the minus strand); deleting any 3 consecutive bases within chr17:63,964,639-63,964,646 gives the same sequence; the position shown is the placement nearest the transcript's 3' end. VCF-style (leftmost placement, unchanged base first): chr17-63964638-CGAA-C. GRCh37 (hg19) VCF-style: chr17-62041998-CGAA-C.
Other names: short protein forms F427del.
Identifiers: ClinVar variation 3015973 (VCV003015973.3), dbSNP rs2509315854, ClinGen allele CA2639317525.